The following is an entry in ClinVar:

NM_000719.7(CACNA1C):c.5139C>A (p.Asp1713Glu)

Genes: CACNA1C (calcium voltage-gated channel subunit alpha1 C; plus strand), CACNA1C-AS1 (CACNA1C antisense RNA 1; minus strand). Cytogenetic location: 12p13.33.
Variant type: single nucleotide variant.
Coding change: c.5139C>A on transcript NM_000719.7 (MANE Select); coding-DNA position 5139, C replaced by A.
Protein change: p.Asp1713Glu; replaces aspartic acid 1713 with glutamic acid.
Molecular consequence: missense variant.
Genome position (GRCh38, 1-based): chr12:2,679,491, C>A. VCF-style: chr12-2679491-C-A. GRCh37 (hg19) VCF-style: chr12-2788657-C-A.
Other names: c.5283C>A, p.Asp1761Glu (NM_001129827.2, NM_199460.4); c.5262C>A, p.Asp1754Glu (NM_001129829.2); c.5139C>A, p.Asp1713Glu (NM_001129830.3, NM_001129840.2, NM_001129841.2 and 4 more transcripts); c.5223C>A, p.Asp1741Glu (NM_001129831.2); c.5199C>A, p.Asp1733Glu (NM_001129832.2); c.5196C>A, p.Asp1732Glu (NM_001129833.2, NM_001129834.2, NM_001129835.2); c.5190C>A, p.Asp1730Glu (NM_001129836.2); c.5163C>A, p.Asp1721Glu (NM_001129837.2, NM_001129838.2); and 3 more; short protein forms D1702E, D1710E, D1721E, D1730E, D1719E, D1732E, D1741E, D1761E.
Identifiers: ClinVar variation 663042 (VCV000663042.9), dbSNP rs115216455, ClinGen allele CA383378584.

ClinVar aggregate classification (germline): Uncertain significance (1 of 4 stars; one submission).

Conditions:
Long QT syndrome (LQTS). Identifiers: MedGen C0023976, MeSH D008133, MONDO:0002442. Disease mechanism: loss of function. Inheritance: Various modes of inheritance.

Submission:

Labcorp Genetics (formerly Invitae), Labcorp
Classification: Uncertain significance for Long QT syndrome. Last evaluated: 2022-09-01. Review status: criteria provided, single submitter. Criteria: Invitae Variant Classification Sherloc (09022015). Collection method: clinical testing. Allele origin: germline.
Comment: In summary, the available evidence is currently insufficient to determine the role of this variant in disease. Therefore, it has been classified as a Variant of Uncertain Significance. Algorithms developed to predict the effect of missense changes on protein structure and function (SIFT, PolyPhen-2, Align-GVGD) all suggest that this variant is likely to be tolerated. ClinVar contains an entry for this variant (Variation ID: 663042). This variant has not been reported in the literature in individuals affected with CACNA1C-related conditions. This variant is not present in population databases (gnomAD no frequency). This sequence change replaces aspartic acid, which is acidic and polar, with glutamic acid, which is acidic and polar, at codon 1713 of the CACNA1C protein (p.Asp1713Glu).